The following is an entry in ClinVar:

ClinVar aggregate classification (germline): Conflicting classifications of pathogenicity. Review status: criteria provided, conflicting classifications (1 of 4 stars). 13 submissions from 13 submitters: Uncertain significance (1); Benign (2); Likely benign (7). 3 of the submissions do not count toward it. Last evaluated 2026-02-03.

Conditions:
Cardiovascular phenotype. Identifiers: MedGen CN230736.
Cardiomyopathy (CMYO). Also called: Cardiomyopathies. Identifiers: Orphanet 167848, MedGen C0878544, MONDO:0004994, HP:0001638. Inheritance: Various modes of inheritance.
Dilated cardiomyopathy 1P (CMD1P). Identifiers: Orphanet 154, MedGen C1835928, MONDO:0012362, OMIM 609909.

Allele frequency attached by ClinVar (database versions not stated): 1000 Genomes Project 0.00020; 1000 Genomes Project 30x 0.00031; ExAC 0.00041; gnomAD exomes 0.00042 and 0.00102; TOPMed 0.00045; gnomAD 0.00050 and 0.00051; ESP Exome Variant Server 0.00062.
gnomAD v4.1: 1,577 of 1,613,862 alleles (0.098%); highest among the groups gnomAD compares: Non-Finnish European, 0.13%; 1 homozygote.

Submissions (13):

Labcorp Genetics (formerly Invitae), Labcorp
Classification: Likely benign for Dilated cardiomyopathy 1P. Last evaluated: 2026-02-03. Review status: criteria provided, single submitter. Criteria: Invitae Variant Classification Sherloc (09022015). Collection method: clinical testing. Allele origin: germline.

CeGaT Center for Human Genetics Tuebingen
Classification: Likely benign. Last evaluated: 2026-02-01. Review status: criteria provided, single submitter. Criteria: CeGaT Center For Human Genetics Tuebingen Variant Classification Criteria Version 2. Collection method: clinical testing. Allele origin: germline. Affected: yes. Observed: 5 variant alleles.
Comment: PLN: BP4, BP7

Blueprint Genetics
Classification: Likely benign. Last evaluated: 2024-10-04. Review status: criteria provided, single submitter. Criteria: ACMG Guidelines, 2015. Collection method: clinical testing. Allele origin: germline.

ARUP Laboratories, Molecular Genetics and Genomics, ARUP Laboratories
Classification: Likely benign. Last evaluated: 2024-05-17. Review status: criteria provided, single submitter. Criteria: ARUP Molecular Germline Variant Investigation Process 2024. Collection method: clinical testing. Allele origin: germline.

Women's Health and Genetics/Laboratory Corporation of America, LabCorp
Classification: Benign. Last evaluated: 2019-11-16. Review status: criteria provided, single submitter. Criteria: LabCorp Variant Classification Summary - May 2015. Collection method: clinical testing. Allele origin: germline.

CHEO Genetics Diagnostic Laboratory, Children's Hospital of Eastern Ontario
Classification: Likely benign for Cardiomyopathy. Last evaluated: 2017-10-06. Review status: criteria provided, single submitter. Criteria: ACMG Guidelines, 2015. Collection method: clinical testing. Allele origin: germline. Study: Canadian Open Genetics Repository.

Illumina Laboratory Services, Illumina
Classification: Uncertain significance for Dilated cardiomyopathy 1P. Last evaluated: 2017-04-27. Review status: criteria provided, single submitter. Criteria: ICSL Variant Classification Criteria 13 December 2019. Collection method: clinical testing. Allele origin: germline.

Ambry Genetics
Classification: Likely benign for Cardiovascular phenotype. Last evaluated: 2016-10-28. Review status: criteria provided, single submitter. Criteria: Ambry Variant Classification Scheme 2023. Collection method: clinical testing. Allele origin: germline.

GeneDx
Classification: Benign. Last evaluated: 2015-04-23. Review status: criteria provided, single submitter. Criteria: GeneDx Variant Classification (06012015). Collection method: clinical testing. Allele origin: germline. Affected: yes.
Comment: This variant is considered likely benign or benign based on one or more of the following criteria: it is a conservative change, it occurs at a poorly conserved position in the protein, it is predicted to be benign by multiple in silico algorithms, and/or has population frequency not consistent with disease.

Laboratory for Molecular Medicine, Mass General Brigham Personalized Medicine
Classification: Likely benign. Last evaluated: 2012-03-19. Review status: criteria provided, single submitter. Criteria: LMM Criteria. Collection method: clinical testing. Allele origin: germline. Observed: 2 variant alleles.
Comment: Arg9Arg in exon 2 of PLN: This variant is not expected to have clinical signific ance because it does not alter an amino acid residue and is not located within t he splice consensus sequence. It has been identified in 0.1% (6/7020) of Europea n American chromosomes from a broad population by the NHLBI Exome Sequencing Pro ject (dbSNP rs145623013). Arg9Arg in exon 2 o f PLN (rs145623013; 0.1%, 6/7020) **

Diagnostic Laboratory, Department of Genetics, University Medical Center Groningen
Classification: Likely benign. Review status: no assertion criteria provided. Collection method: clinical testing. Allele origin: germline. Affected: yes. Study: VKGL Data-share Consensus. Not counted in ClinVar's aggregate classification.

Genome Diagnostics Laboratory, University Medical Center Utrecht
Classification: Likely benign. Review status: no assertion criteria provided. Collection method: clinical testing. Allele origin: germline. Affected: yes. Study: VKGL Data-share Consensus. Not counted in ClinVar's aggregate classification.

Joint Genome Diagnostic Labs from Nijmegen and Maastricht, Radboudumc and MUMC+
Classification: Likely benign. Review status: no assertion criteria provided. Collection method: clinical testing. Allele origin: germline. Affected: yes. Study: VKGL Data-share Consensus. Not counted in ClinVar's aggregate classification.

NM_002667.5(PLN):c.27C>T (p.Arg9=)

Genes: CEP85L (centrosomal protein 85L; minus strand), PLN (phospholamban; plus strand). Cytogenetic location: 6q22.31.
Variant type: single nucleotide variant.
Coding change: c.27C>T on transcript NM_002667.5 (MANE Select); coding-DNA position 27, C replaced by T.
Protein change: p.Arg9=; no amino-acid change (arginine 9 retained).
Molecular consequence: synonymous variant. On other transcripts: intron variant (3).
Genome position (GRCh38, 1-based): chr6:118,558,948, C>T. VCF-style: chr6-118558948-C-T. GRCh37 (hg19) VCF-style: chr6-118880111-C-T.
Other names: c.1029+6581G>A (NM_001178035.2); c.1020+6581G>A (NM_001042475.3, NM_206921.3).
Identifiers: ClinVar variation 44578 (VCV000044578.65), dbSNP rs145623013, ClinGen allele CA134576.